The following is an entry in ClinVar:

NM_178857.6(RP1L1):c.587T>A (p.Leu196Ter)

Gene: RP1L1 (RP1 like 1). Cytogenetic location: 8p23.1.
Variant type: single nucleotide variant.
Coding change: c.587T>A on transcript NM_178857.6 (MANE Select); coding-DNA position 587, T replaced by A.
Protein change: p.Leu196Ter; replaces leucine 196 with a stop codon.
Molecular consequence: nonsense.
Genome position (GRCh38, 1-based): chr8:10,622,615, A>T on the plus strand (T>A on the coding strand, the complement: RP1L1 is on the minus strand). VCF-style: chr8-10622615-A-T. GRCh37 (hg19) VCF-style: chr8-10480125-A-T.
Other names: short protein forms L196*.
Identifiers: ClinVar variation 4982193 (VCV004982193.1).

ClinVar aggregate classification (germline): Likely pathogenic (1 of 4 stars; one submission).

Conditions:
RP1L1-related disorder. Also called: RP1L1-related condition.

gnomAD v4.1: 2 of 1,614,108 alleles (0.00012%); highest among the groups gnomAD compares: African/African-American, 0.0027%; no homozygotes.

Submission:

PreventionGenetics, part of Exact Sciences
Classification: Likely pathogenic for RP1L1-related condition. Last evaluated: 2026-07-16. Review status: criteria provided, single submitter. Criteria: ACMG Guidelines, 2015. Collection method: clinical testing. Allele origin: germline.
Comment: The RP1L1 c.587T>A variant is predicted to result in premature protein termination (p.Leu196*). To our knowledge, this variant has not been reported in the literature. This variant is reported in 0.011% of alleles in individuals of African descent in gnomAD. Predicted loss of function variants, such as frameshift and nonsense variants, in RP1L1 are an established mechanism of autosomal recessive disease (Noel et al. 2020. PubMed ID: 32360662). Given the evidence, we interpret this variant as likely pathogenic for autosomal recessive disease.